The following is an entry in ClinVar:

NM_000271.5(NPC1):c.2431C>G (p.Gln811Glu)

Gene: NPC1 (NPC intracellular cholesterol transporter 1; minus strand). Cytogenetic location: 18q11.2.
Variant type: single nucleotide variant.
Coding change: c.2431C>G on transcript NM_000271.5 (MANE Select); coding-DNA position 2431, C replaced by G.
Protein change: p.Gln811Glu; replaces glutamine 811 with glutamic acid.
Molecular consequence: missense variant.
Genome position (GRCh38, 1-based): chr18:23,541,151, G>C on the plus strand (C>G on the coding strand, the complement: NPC1 is on the minus strand). VCF-style: chr18-23541151-G-C. GRCh37 (hg19) VCF-style: chr18-21121115-G-C.
Other names: short protein forms Q811E.
Identifiers: ClinVar variation 1406462 (VCV001406462.5), dbSNP rs2058707982, ClinGen allele CA401793444.

ClinVar aggregate classification (germline): Uncertain significance (1 of 4 stars; one submission).

Conditions:
Niemann-Pick disease, type C1. Also called: NIEMANN-PICK DISEASE, VARIANT TYPE C1; NEUROVISCERAL STORAGE DISEASE WITH VERTICAL SUPRANUCLEAR OPHTHALMOPLEGIA; NIEMANN-PICK DISEASE WITH CHOLESTEROL ESTERIFICATION BLOCK; NIEMANN-PICK DISEASE WITHOUT SPHINGOMYELINASE DEFICIENCY; NIEMANN-PICK DISEASE, CHRONIC NEURONOPATHIC FORM. Identifiers: Orphanet 646, MedGen C3179455, MONDO:0009757, OMIM 257220.

gnomAD v4.1: 3 of 1,614,128 alleles (0.00019%); highest among the groups gnomAD compares: Non-Finnish European, 0.00025%; no homozygotes.

Submission:

Labcorp Genetics (formerly Invitae), Labcorp
Classification: Uncertain significance for Niemann-Pick disease, type C1. Last evaluated: 2022-03-27. Review status: criteria provided, single submitter. Criteria: Invitae Variant Classification Sherloc (09022015). Collection method: clinical testing. Allele origin: germline.
Comment: This sequence change replaces glutamine, which is neutral and polar, with glutamic acid, which is acidic and polar, at codon 811 of the NPC1 protein (p.Gln811Glu). This variant is not present in population databases (gnomAD no frequency). This variant has not been reported in the literature in individuals affected with NPC1-related conditions. Advanced modeling of protein sequence and biophysical properties (such as structural, functional, and spatial information, amino acid conservation, physicochemical variation, residue mobility, and thermodynamic stability) performed at Invitae indicates that this missense variant is not expected to disrupt NPC1 protein function. In summary, the available evidence is currently insufficient to determine the role of this variant in disease. Therefore, it has been classified as a Variant of Uncertain Significance.